The following is an entry in ClinVar:

NM_032730.5(RTN4IP1):c.971T>C (p.Val324Ala)

Gene: RTN4IP1 (reticulon 4 interacting protein 1; minus strand). Cytogenetic location: 6q21.
Variant type: single nucleotide variant.
Coding change: c.971T>C on transcript NM_032730.5 (MANE Select); coding-DNA position 971, T replaced by C.
Protein change: p.Val324Ala; replaces valine 324 with alanine.
Molecular consequence: missense variant.
Genome position (GRCh38, 1-based): chr6:106,587,698, A>G on the plus strand (T>C on the coding strand, the complement: RTN4IP1 is on the minus strand). VCF-style: chr6-106587698-A-G. GRCh37 (hg19) VCF-style: chr6-107035573-A-G.
Other names: c.671T>C, p.Val224Ala (NM_001318746.1); c.971T>C (NM_032730.4); short protein forms V224A, V324A.
Identifiers: ClinVar variation 1359943 (VCV001359943.7), dbSNP rs1775519543, ClinGen allele CA365153704.
Genomic context (GRCh38, chr6:106,587,698, plus strand): 5'-GGAGGCTGCCTGCAGTCACCAACCAAGACCCTTCTTCCTACCTTTAATGCCTTTGAACCT[A>G]CAGTGACTCCTGTCTGCAACATGCCATCTGCTATGCCCAATCGGTCCATGTTCAGGAGGA-3'
Protein context (NP_116119.2, residues 314-334): ADGMLQTGVT[Val324Ala]GSKALKHFWK

ClinVar aggregate classification (germline): Uncertain significance. Review status: criteria provided, multiple submitters, no conflicts (2 of 4 stars). 2 submissions from 2 submitters: Uncertain significance (2). Last evaluated 2023-06-21.

Conditions:
Inborn genetic diseases. Identifiers: MedGen C0950123, MeSH D030342.

Allele frequency attached by ClinVar (database versions not stated): TOPMed 0.00001.
gnomAD v4.1: 5 of 1,612,604 alleles (0.00031%); highest among the groups gnomAD compares: Middle Eastern, 0.019%; no homozygotes.

Submissions (2):

Ambry Genetics
Classification: Uncertain significance for Inborn genetic diseases. Last evaluated: 2023-06-21. Review status: criteria provided, single submitter. Criteria: Ambry Variant Classification Scheme 2023. Collection method: clinical testing. Allele origin: germline.

Labcorp Genetics (formerly Invitae), Labcorp
Classification: Uncertain significance. Last evaluated: 2021-11-13. Review status: criteria provided, single submitter. Criteria: Invitae Variant Classification Sherloc (09022015). Collection method: clinical testing. Allele origin: germline.
Comment: In summary, the available evidence is currently insufficient to determine the role of this variant in disease. Therefore, it has been classified as a Variant of Uncertain Significance. Algorithms developed to predict the effect of missense changes on protein structure and function (SIFT, PolyPhen-2, Align-GVGD) all suggest that this variant is likely to be tolerated. This variant has not been reported in the literature in individuals affected with RTN4IP1-related conditions. This variant is not present in population databases (gnomAD no frequency). This sequence change replaces valine, which is neutral and non-polar, with alanine, which is neutral and non-polar, at codon 324 of the RTN4IP1 protein (p.Val324Ala).